The following is an entry in ClinVar:

ClinVar aggregate classification (germline): Uncertain significance. Review status: criteria provided, multiple submitters, no conflicts (2 of 4 stars). 2 submissions from 2 submitters: Uncertain significance (2). Last evaluated 2025-07-21.

Conditions:
Inborn genetic diseases. Identifiers: MedGen C0950123, MeSH D030342.
Baller-Gerold syndrome (BGS). Also called: CRANIOSYNOSTOSIS WITH RADIAL DEFECTS. Identifiers: Orphanet 1225, MedGen C0265308, MONDO:0009039, OMIM 218600.

Allele frequency attached by ClinVar (database versions not stated): gnomAD 0.00001.
gnomAD v4.1: 5 of 1,607,094 alleles (0.00031%); highest among the groups gnomAD compares: African/African-American, 0.004%; no homozygotes.

Submissions (2):

Labcorp Genetics (formerly Invitae), Labcorp
Classification: Uncertain significance for Baller-Gerold syndrome. Last evaluated: 2025-07-21. Review status: criteria provided, single submitter. Criteria: Invitae Variant Classification Sherloc (09022015). Collection method: clinical testing. Allele origin: germline.
Comment: This sequence change replaces threonine, which is neutral and polar, with serine, which is neutral and polar, at codon 722 of the RECQL4 protein (p.Thr722Ser). This variant is present in population databases (no rsID available, gnomAD 0.007%). This variant has not been reported in the literature in individuals affected with RECQL4-related conditions. ClinVar contains an entry for this variant (Variation ID: 959636). Invitae Evidence Modeling of protein sequence and biophysical properties (such as structural, functional, and spatial information, amino acid conservation, physicochemical variation, residue mobility, and thermodynamic stability) indicates that this missense variant is not expected to disrupt RECQL4 protein function with a negative predictive value of 80%. In summary, the available evidence is currently insufficient to determine the role of this variant in disease. Therefore, it has been classified as a Variant of Uncertain Significance.

Ambry Genetics
Classification: Uncertain significance for Inborn genetic diseases. Last evaluated: 2024-11-20. Review status: criteria provided, single submitter. Criteria: Ambry Variant Classification Scheme 2023. Collection method: clinical testing. Allele origin: germline.
Comment: The p.T722S variant (also known as c.2165C>G), located in coding exon 13 of the RECQL4 gene, results from a C to G substitution at nucleotide position 2165. The threonine at codon 722 is replaced by serine, an amino acid with similar properties. This amino acid position is conserved. In addition, the in silico prediction for this alteration is inconclusive. Based on the available evidence, the clinical significance of this variant remains unclear.

NM_004260.4(RECQL4):c.2165C>G (p.Thr722Ser)

Gene: RECQL4 (RecQ like helicase 4; minus strand). Cytogenetic location: 8q24.3.
Variant type: single nucleotide variant.
Coding change: c.2165C>G on transcript NM_004260.4 (MANE Select); coding-DNA position 2165, C replaced by G.
Protein change: p.Thr722Ser; replaces threonine 722 with serine.
Molecular consequence: missense variant.
Genome position (GRCh38, 1-based): chr8:144,513,606, G>C on the plus strand (C>G on the coding strand, the complement: RECQL4 is on the minus strand). VCF-style: chr8-144513606-G-C. GRCh37 (hg19) VCF-style: chr8-145738990-G-C.
Other names: short protein forms T722S.
Identifiers: ClinVar variation 959636 (VCV000959636.8), dbSNP rs985482776, ClinGen allele CA187683554.